The following is an entry in ClinVar:

NM_001365276.2(TNXB):c.9672G>A (p.Leu3224=)

Gene: TNXB (tenascin XB; minus strand). Cytogenetic location: 6p21.33.
Variant type: single nucleotide variant.
Coding change: c.9672G>A on transcript NM_001365276.2 (MANE Select); coding-DNA position 9672, G replaced by A.
Protein change: p.Leu3224=; no amino-acid change (leucine 3224 retained).
Molecular consequence: synonymous variant.
Genome position (GRCh38, 1-based): chr6:32,049,355, C>T on the plus strand (G>A on the coding strand, the complement: TNXB is on the minus strand). VCF-style: chr6-32049355-C-T. GRCh37 (hg19) VCF-style: chr6-32017132-C-T.
Other names: p.Leu3222=; c.9666G>A, p.Leu3222= (NM_019105.8).
Identifiers: ClinVar variation 261181 (VCV000261181.42), dbSNP rs61740331, ClinGen allele CA3733448.

ClinVar aggregate classification (germline): Benign. Review status: criteria provided, multiple submitters, no conflicts (2 of 4 stars). 8 submissions from 8 submitters: Benign (8). Last evaluated 2026-09-01.

Conditions:
Cardiovascular phenotype. Identifiers: MedGen CN230736.
Ehlers-Danlos syndrome (EDS). Identifiers: Orphanet 98249, MedGen C0013720, MONDO:0020066.

Allele frequency attached by ClinVar (database versions not stated): 1000 Genomes Project 0.00419; 1000 Genomes Project 30x 0.00453; ExAC 0.00677; gnomAD exomes 0.00703 and 0.01147; gnomAD 0.01052 and 0.01104; TOPMed 0.01107; ESP Exome Variant Server 0.01300.
gnomAD v4.1: 18,487 of 1,612,520 alleles (1.1%); highest among the groups gnomAD compares: African/African-American, 1.4%; 163 homozygotes.

Submissions (8):

CeGaT Center for Human Genetics Tuebingen
Classification: Benign. Last evaluated: 2026-09-01. Review status: criteria provided, single submitter. Criteria: CeGaT Center For Human Genetics Tuebingen Variant Classification Criteria Version 2. Collection method: clinical testing. Allele origin: germline. Affected: yes. Observed: 35 variant alleles.
Comment: TNXB: BP4, BP7, BS1, BS2

Women's Health and Genetics/Laboratory Corporation of America, LabCorp
Classification: Benign. Last evaluated: 2026-03-30. Review status: criteria provided, single submitter. Criteria: LabCorp Variant Classification Summary - May 2015. Collection method: clinical testing. Allele origin: germline.

Labcorp Genetics (formerly Invitae), Labcorp
Classification: Benign. Last evaluated: 2026-02-02. Review status: criteria provided, single submitter. Criteria: Invitae Variant Classification Sherloc (09022015). Collection method: clinical testing. Allele origin: germline.

Mayo Clinic Laboratories, Mayo Clinic
Classification: Benign. Last evaluated: 2023-02-14. Review status: criteria provided, single submitter. Criteria: ACMG Guidelines, 2015. Collection method: clinical testing. Allele origin: germline. Observed: 67 variant alleles.
Comment: BS1, BS2, BP4, BP7

Genome Diagnostics Laboratory, The Hospital for Sick Children
Classification: Benign for Ehlers-Danlos syndrome. Last evaluated: 2022-07-16. Review status: criteria provided, single submitter. Criteria: ACMG Guidelines, 2015. Collection method: clinical testing. Allele origin: germline.

GeneDx
Classification: Benign. Last evaluated: 2019-07-17. Review status: criteria provided, single submitter. Criteria: GeneDx Variant Classification Process June 2021. Collection method: clinical testing. Allele origin: germline. Affected: yes.

Ambry Genetics
Classification: Benign for Cardiovascular phenotype. Last evaluated: 2018-12-31. Review status: criteria provided, single submitter. Criteria: Ambry Variant Classification Scheme 2023. Collection method: clinical testing. Allele origin: germline.

PreventionGenetics, part of Exact Sciences
Classification: Benign. Review status: criteria provided, single submitter. Criteria: ACMG Guidelines, 2015. Collection method: clinical testing. Allele origin: germline.